The following is an entry in ClinVar:

NM_000330.4(RS1):c.575_576insT (p.Ile194fs)

Genes: CDKL5 (cyclin dependent kinase like 5; plus strand), RS1 (retinoschisin 1; minus strand). Cytogenetic location: Xp22.13.
Variant type: Insertion.
Coding change: c.575_576insT on transcript NM_000330.4 (MANE Select); coding-DNA positions 575 to 576, T inserted.
Protein change: p.Ile194fs; shifts the reading frame from isoleucine 194.
Molecular consequence: frameshift variant. On other transcripts: intron variant (2).
Genome position: GRCh38 VCF-style: chrX-18642103-G-GA. GRCh37 (hg19) VCF-style: chrX-18660223-G-GA.
Other names: c.2714-3904_2714-3903insA (NM_001037343.2, NM_003159.3); short protein forms I194fs.
Identifiers: ClinVar variation 842992 (VCV000842992.10), dbSNP rs1927604163, ClinGen allele CA916082485.

ClinVar aggregate classification (germline): Pathogenic (1 of 4 stars; one submission).

Submission:

Labcorp Genetics (formerly Invitae), Labcorp
Classification: Pathogenic. Last evaluated: 2024-10-26. Review status: criteria provided, single submitter. Criteria: Invitae Variant Classification Sherloc (09022015). Collection method: clinical testing. Allele origin: germline.
Comment: This sequence change results in a frameshift in the RS1 gene (p.Ile194Hisfs*70). While this is not anticipated to result in nonsense mediated decay, it is expected to disrupt the last 31 amino acid(s) of the RS1 protein and extend the protein by 38 additional amino acid residues. This variant is not present in population databases (gnomAD no frequency). This frameshift has been observed in individuals with X-linked retinoschisis (PMID: 9618178, 30923717; internal data). ClinVar contains an entry for this variant (Variation ID: 842992). For these reasons, this variant has been classified as Pathogenic.

Literature cited by the submitters: PubMed 9618178; PubMed 30923717.